The following is an entry in ClinVar:

ClinVar aggregate classification (germline): Pathogenic. Review status: criteria provided, multiple submitters, no conflicts (2 of 4 stars). 5 submissions from 5 submitters: Pathogenic (4). 1 of the submissions does not count toward it. Last evaluated 2025-12-01.

Conditions:
Exudative vitreoretinopathy 2, X-linked. Also called: Familial exudative vitreoretinopathy, X-linked; EXUDATIVE VITREORETINOPATHY, FAMILIAL, 2; FEVR, X-LINKED; NDP-Related Familial Exudative Vitreoretinopathy (FEVR). Identifiers: Orphanet 891, MedGen C1844579, MONDO:0010588, OMIM 305390.
Atrophia bulborum hereditaria (ND). Also called: Norrie Disease; Norrie Disease (Classic Norrie Disease Ocular Phenotype with or without Extraocular Findings; EPISKOPI BLINDNESS; Pseudoglioma; Norrie syndrome; Norrie-Warburg syndrome. Identifiers: Orphanet 649, MedGen C0266526, MONDO:0010691, OMIM 310600, HP:6000262.
Exudative vitreoretinopathy, X-linked. Identifiers: MedGen C4016494.

Allele frequency attached by ClinVar (database versions not stated): ExAC 0.00001; gnomAD exomes 0.00001 and below 0.00001.
gnomAD v4.1: 1 of 1,211,996 alleles (0.000083%); highest among the groups gnomAD compares: African/African-American, 0.0017%; no homozygotes.

Submissions (5):

GeneDx
Classification: Pathogenic. Last evaluated: 2025-12-01. Review status: criteria provided, single submitter. Criteria: GeneDx Variant Classification Process June 2021. Collection method: clinical testing. Allele origin: germline. Affected: yes.
Comment: Not observed at significant frequency in large population cohorts (gnomAD); In silico analysis indicates that this missense variant does not alter protein structure/function; This variant is associated with the following publications: (PMID: 17296899, 17050281, 27720678, 9143917, 35328049, Santos2022[MeetingAbstract], 33781268)

Labcorp Genetics (formerly Invitae), Labcorp
Classification: Pathogenic. Last evaluated: 2024-12-12. Review status: criteria provided, single submitter. Criteria: Invitae Variant Classification Sherloc (09022015). Collection method: clinical testing. Allele origin: germline.
Comment: This sequence change replaces histidine, which is basic and polar, with arginine, which is basic and polar, at codon 42 of the NDP protein (p.His42Arg). This variant is present in population databases (rs104894874, gnomAD 0.008%). This missense change has been observed in individuals with familial exudative vitreoretinopathy (PMID: 9143917, 17050281; internal data). It has also been observed to segregate with disease in related individuals. ClinVar contains an entry for this variant (Variation ID: 10691). Invitae Evidence Modeling of protein sequence and biophysical properties (such as structural, functional, and spatial information, amino acid conservation, physicochemical variation, residue mobility, and thermodynamic stability) has been performed for this missense variant. However, the output from this modeling did not meet the statistical confidence thresholds required to predict the impact of this variant on NDP protein function. For these reasons, this variant has been classified as Pathogenic.

Fulgent Genetics
Classification: Pathogenic for Exudative vitreoretinopathy 2, X-linked; Atrophia bulborum hereditaria. Last evaluated: 2024-05-20. Review status: criteria provided, single submitter. Criteria: ACMG Guidelines, 2015. Collection method: clinical testing. Allele origin: germline.

Women's Health and Genetics/Laboratory Corporation of America, LabCorp
Classification: Pathogenic for Atrophia bulborum hereditaria. Last evaluated: 2024-04-29. Review status: criteria provided, single submitter. Criteria: LabCorp Variant Classification Summary - May 2015. Collection method: clinical testing. Allele origin: germline.
Comment: Variant summary: NDP c.125A>G (p.His42Arg) results in a non-conservative amino acid change located in the Cystine knot, C-terminal domain (IPR006207) of the encoded protein sequence. Five of five in-silico tools predict a damaging effect of the variant on protein function. The variant allele was found at a frequency of 5.5e-06 in 183259 control chromosomes. c.125A>G has been reported in the hemizygous state in the literature in multiple individuals affected with familial exudative vitreoretinopathy (FEVR) (examples: Cicerone_2022, Shastry_1997, Wu_2007). These data indicate that the variant is likely to be associated with disease. The following publications have been ascertained in the context of this evaluation (PMID: 35328049, 9143917, 17296899). ClinVar contains an entry for this variant (Variation ID: 10691). Based on the evidence outlined above, the variant was classified as pathogenic.

OMIM
Classification: Pathogenic for EXUDATIVE VITREORETINOPATHY, X-LINKED. Last evaluated: 1998-05-08. Review status: no assertion criteria provided. Collection method: literature only. Allele origin: germline. Not counted in ClinVar's aggregate classification.

Literature cited by the submitters: PubMed 9143917 (cited by Labcorp Genetics (formerly Invitae), Labcorp and Women's Health and Genetics/Laboratory Corporation of America, LabCorp); PubMed 17050281 (cited by Labcorp Genetics (formerly Invitae), Labcorp); PubMed 35328049 (cited by Women's Health and Genetics/Laboratory Corporation of America, LabCorp); PubMed 17296899 (cited by Women's Health and Genetics/Laboratory Corporation of America, LabCorp); PubMed 9618247 (cited by OMIM).

NM_000266.4(NDP):c.125A>G (p.His42Arg)

Genes: NDP (norrin cystine knot growth factor NDP; minus strand), NDP-AS1 (NDP antisense RNA 1; plus strand). Cytogenetic location: Xp11.3.
Variant type: single nucleotide variant.
Coding change: c.125A>G on transcript NM_000266.4 (MANE Select); coding-DNA position 125, A replaced by G.
Protein change: p.His42Arg; replaces histidine 42 with arginine.
Molecular consequence: missense variant.
Genome position (GRCh38, 1-based): chrX:43,958,521, T>C on the plus strand (A>G on the coding strand, the complement: NDP is on the minus strand). VCF-style: chrX-43958521-T-C. GRCh37 (hg19) VCF-style: chrX-43817767-T-C.
Other names: short protein forms H42R.
Identifiers: ClinVar variation 10691 (VCV000010691.18), dbSNP rs104894874, ClinGen allele CA121146.